The following is an entry in ClinVar:

NM_000283.4(PDE6B):c.1859A>G (p.His620Arg)

Gene: PDE6B (phosphodiesterase 6B; plus strand). Cytogenetic location: 4p16.3.
Variant type: single nucleotide variant.
Coding change: c.1859A>G on transcript NM_000283.4 (MANE Select); coding-DNA position 1859, A replaced by G.
Protein change: p.His620Arg; replaces histidine 620 with arginine.
Molecular consequence: missense variant.
Genome position (GRCh38, 1-based): chr4:663,126, A>G. VCF-style: chr4-663126-A-G. GRCh37 (hg19) VCF-style: chr4-656915-A-G.
Other names: NC_000004.11:g.656915A>G; NP_000274.3:p.(His620Arg); c.1859A>G, p.His620Arg (NM_001145291.2); c.1022A>G, p.His341Arg (NM_001145292.2, NM_001350154.3, NM_001379246.1 and 1 more transcripts); c.704A>G, p.His235Arg (NM_001350155.3); short protein forms H235R, H620R, H341R.
Identifiers: ClinVar variation 931852 (VCV000931852.6), dbSNP rs1737315492, ClinGen allele CA355917796.
Genomic context (GRCh38, chr4:663,126, plus strand): 5'-CCCACGGGCCTCACCTCCACCACCTGTGTAACAGGTCCCAGAACCCCTTGGCTAAGCTCC[A>G]CGGCTCCTCGATTTTGGAGCGGCACCACCTGGAGTTTGGGAAGTTCCTGCTCTCGGAGGA-3'
Protein context (NP_000274.3, residues 610-630): MKSQNPLAKL[His620Arg]GSSILERHHL

ClinVar aggregate classification (germline): Conflicting classifications of pathogenicity. Review status: criteria provided, conflicting classifications (1 of 4 stars). 3 submissions from 3 submitters: Pathogenic (1); Likely pathogenic (1); Uncertain significance (1). Last evaluated 2025-11-08.

Conditions:
Retinitis pigmentosa 40 (RP40). Identifiers: Orphanet 791, MedGen C3151107, MONDO:0013429, OMIM 613801.
Retinal dystrophy. Also called: Inherited retinal dystrophy. Identifiers: Orphanet 71862, MedGen C0854723, MeSH D058499, MONDO:0019118, HP:0000556.

Allele frequency attached by ClinVar (database versions not stated): gnomAD exomes below 0.00001; gnomAD 0.00001.

Submissions (3):

Labcorp Genetics (formerly Invitae), Labcorp
Classification: Pathogenic. Last evaluated: 2025-11-08. Review status: criteria provided, single submitter. Criteria: Invitae Variant Classification Sherloc (09022015). Collection method: clinical testing. Allele origin: germline.
Comment: This sequence change replaces histidine, which is basic and polar, with arginine, which is basic and polar, at codon 620 of the PDE6B protein (p.His620Arg). This variant is not present in population databases (gnomAD no frequency). This missense change has been observed in individual(s) with clinical features of autosomal recessive retinitis pigmentosa (PMID: 24123792, 38219857; internal data). In at least one individual the data is consistent with being in trans (on the opposite chromosome) from a pathogenic variant. ClinVar contains an entry for this variant (Variation ID: 931852). Invitae Evidence Modeling of protein sequence and biophysical properties (such as structural, functional, and spatial information, amino acid conservation, physicochemical variation, residue mobility, and thermodynamic stability) indicates that this missense variant is expected to disrupt PDE6B protein function with a positive predictive value of 95%. For these reasons, this variant has been classified as Pathogenic.

Ophthalmic Genetics Group, Institute of Molecular and Clinical Ophthalmology Basel
Classification: Likely pathogenic for Retinal dystrophy. Last evaluated: 2024-05-27. Review status: criteria provided, single submitter. Criteria: ACMG Guidelines, 2015. Collection method: research. Allele origin: germline. Affected: yes. Observed: 2 variant alleles.
Comment: This variant was classified as Likely pathogenic based on ACMG criteria: PM1_supporting, PM2_supporting and PP3_mod

Centre for Mendelian Genomics, University Medical Centre Ljubljana
Classification: Uncertain significance for Retinitis pigmentosa 40. Last evaluated: 2020-03-25. Review status: criteria provided, single submitter. Criteria: ACMG Guidelines, 2015. Collection method: clinical testing. Allele origin: unknown. Affected: yes.
Comment: This variant was classified as: Uncertain significance. The available evidence favors the pathogenic nature of this variant, however the currently available data is insufficient to conclusively support its pathogenic nature. Thus this variant is classified as Uncertain significance - favor pathogenic. The following ACMG criteria were applied in classifying this variant: PM2,PP3.

Literature cited by the submitters: PubMed 24123792 (cited by Labcorp Genetics (formerly Invitae), Labcorp); PubMed 38219857 (cited by Labcorp Genetics (formerly Invitae), Labcorp); PubMed 40180963 (cited by Ophthalmic Genetics Group, Institute of Molecular and Clinical Ophthalmology Basel).